The following is an entry in ClinVar:

NM_014317.5(PDSS1):c.188A>C (p.His63Pro)

Gene: PDSS1 (decaprenyl diphosphate synthase subunit 1; plus strand). Cytogenetic location: 10p12.1.
Variant type: single nucleotide variant.
Coding change: c.188A>C on transcript NM_014317.5 (MANE Select); coding-DNA position 188, A replaced by C.
Protein change: p.His63Pro; replaces histidine 63 with proline.
Molecular consequence: missense variant. On other transcripts: 5 prime UTR variant (1).
Genome position (GRCh38, 1-based): chr10:26,704,702, A>C. VCF-style: chr10-26704702-A-C. GRCh37 (hg19) VCF-style: chr10-26993631-A-C.
Other names: c.188A>C, p.His63Pro (NM_001321978.2); c.-406A>C (NM_001321979.2); c.188A>C (NM_014317.3); short protein forms H63P.
Identifiers: ClinVar variation 2418146 (VCV002418146.4), dbSNP rs1031589171, ClinGen allele CA205007406.

ClinVar aggregate classification (germline): Uncertain significance. Review status: criteria provided, multiple submitters, no conflicts (2 of 4 stars). 2 submissions from 2 submitters: Uncertain significance (2). Last evaluated 2024-03-04.

Conditions:
Inborn genetic diseases. Identifiers: MedGen C0950123, MeSH D030342.

Allele frequency attached by ClinVar (database versions not stated): gnomAD 0.00003; TOPMed 0.00005.
gnomAD v4.1: 7 of 1,447,076 alleles (0.00048%); highest among the groups gnomAD compares: Admixed American, 0.01%; no homozygotes.

Submissions (2):

Ambry Genetics
Classification: Uncertain significance for Inborn genetic diseases. Last evaluated: 2024-03-04. Review status: criteria provided, single submitter. Criteria: Ambry Variant Classification Scheme 2023. Collection method: clinical testing. Allele origin: germline.

Labcorp Genetics (formerly Invitae), Labcorp
Classification: Uncertain significance. Last evaluated: 2022-05-21. Review status: criteria provided, single submitter. Criteria: Invitae Variant Classification Sherloc (09022015). Collection method: clinical testing. Allele origin: germline.
Comment: This sequence change replaces histidine, which is basic and polar, with proline, which is neutral and non-polar, at codon 63 of the PDSS1 protein (p.His63Pro). This variant is present in population databases (no rsID available, gnomAD 0.1%). This variant has not been reported in the literature in individuals affected with PDSS1-related conditions. Algorithms developed to predict the effect of missense changes on protein structure and function are either unavailable or do not agree on the potential impact of this missense change (SIFT: "Not Available"; PolyPhen-2: "Benign"; Align-GVGD: "Not Available"). In summary, the available evidence is currently insufficient to determine the role of this variant in disease. Therefore, it has been classified as a Variant of Uncertain Significance.